The following is an entry in ClinVar:

NM_003640.5(ELP1):c.2386A>G (p.Met796Val)

Gene: ELP1 (elongator acetyltransferase complex subunit 1; minus strand). Cytogenetic location: 9q31.3.
Variant type: single nucleotide variant.
Coding change: c.2386A>G on transcript NM_003640.5 (MANE Select); coding-DNA position 2386, A replaced by G.
Protein change: p.Met796Val; replaces methionine 796 with valine.
Molecular consequence: missense variant.
Genome position (GRCh38, 1-based): chr9:108,897,263, T>C on the plus strand (A>G on the coding strand, the complement: ELP1 is on the minus strand). VCF-style: chr9-108897263-T-C. GRCh37 (hg19) VCF-style: chr9-111659543-T-C.
Other names: p.Met796Val; c.2044A>G, p.Met682Val (NM_001318360.2); c.1339A>G, p.Met447Val (NM_001330749.2); short protein forms M796V, M682V, M447V.
Identifiers: ClinVar variation 971264 (VCV000971264.8), dbSNP rs748482757, ClinGen allele CA5174654.

ClinVar aggregate classification (germline): Uncertain significance. Review status: criteria provided, multiple submitters, no conflicts (2 of 4 stars). 5 submissions from 5 submitters: Uncertain significance (4). 1 of the submissions does not count toward it. Last evaluated 2025-03-10.

Conditions:
Familial dysautonomia. Also called: HSAN III; FD. Identifiers: Orphanet 1764, MedGen C0013364, MONDO:0009131, OMIM 223900. Disease mechanism: loss of function.
Medulloblastoma (MDB). Also called: Medulloblastoma, somatic; MEDULLOBLASTOMA PREDISPOSITION SYNDROME. Identifiers: Orphanet 616, MedGen C0025149, MeSH D008527, MONDO:0007959, OMIM 155255, HP:0002885.

Allele frequency attached by ClinVar (database versions not stated): ExAC 0.00002; gnomAD 0.00002 and 0.00003; TOPMed 0.00003.
gnomAD v4.1: 55 of 1,614,044 alleles (0.0034%); highest among the groups gnomAD compares: Non-Finnish European, 0.0046%; no homozygotes.

Submissions (5):

Ambry Genetics
Classification: Uncertain significance. Last evaluated: 2025-03-10. Review status: criteria provided, single submitter. Criteria: Ambry Variant Classification Scheme 2023. Collection method: clinical testing. Allele origin: germline.

Mayo Clinic Laboratories, Mayo Clinic
Classification: Uncertain significance. Last evaluated: 2023-10-02. Review status: criteria provided, single submitter. Criteria: ACMG Guidelines, 2015. Collection method: clinical testing. Allele origin: germline. Observed: 1 variant allele.

Labcorp Genetics (formerly Invitae), Labcorp
Classification: Uncertain significance. Last evaluated: 2022-08-16. Review status: criteria provided, single submitter. Criteria: Invitae Variant Classification Sherloc (09022015). Collection method: clinical testing. Allele origin: germline.
Comment: This sequence change replaces methionine, which is neutral and non-polar, with valine, which is neutral and non-polar, at codon 796 of the ELP1 protein (p.Met796Val). This variant is present in population databases (rs748482757, gnomAD 0.004%). This variant has not been reported in the literature in individuals affected with ELP1-related conditions. ClinVar contains an entry for this variant (Variation ID: 971264). Algorithms developed to predict the effect of missense changes on protein structure and function are either unavailable or do not agree on the potential impact of this missense change (SIFT: "Tolerated"; PolyPhen-2: "Possibly Damaging"; Align-GVGD: "Class C0"). In summary, the available evidence is currently insufficient to determine the role of this variant in disease. Therefore, it has been classified as a Variant of Uncertain Significance.

Fulgent Genetics
Classification: Uncertain significance for Medulloblastoma; Familial dysautonomia. Last evaluated: 2021-10-07. Review status: criteria provided, single submitter. Criteria: ACMG Guidelines, 2015. Collection method: clinical testing. Allele origin: unknown.

Natera, Inc.
Classification: Uncertain significance for Familial dysautonomia. Last evaluated: 2020-05-11. Review status: no assertion criteria provided. Collection method: clinical testing. Allele origin: germline. Not counted in ClinVar's aggregate classification.